The following is an entry in ClinVar:

NM_000163.5(GHR):c.25A>G (p.Thr9Ala)

Gene: GHR (growth hormone receptor; plus strand). Cytogenetic location: 5p12.
Variant type: single nucleotide variant.
Coding change: c.25A>G on transcript NM_000163.5 (MANE Select); coding-DNA position 25, A replaced by G.
Protein change: p.Thr9Ala; replaces threonine 9 with alanine.
Molecular consequence: missense variant.
Genome position (GRCh38, 1-based): chr5:42,565,899, A>G. VCF-style: chr5-42565899-A-G. GRCh37 (hg19) VCF-style: chr5-42566001-A-G.
Other names: c.46A>G, p.Thr16Ala (NM_001242399.2); c.25A>G, p.Thr9Ala (NM_001242400.2, NM_001242401.4, NM_001242402.2 and 6 more transcripts); short protein forms T16A, T9A.
Identifiers: ClinVar variation 2994256 (VCV002994256.3), dbSNP rs528933970, ClinGen allele CA3254281.

ClinVar aggregate classification (germline): Uncertain significance (1 of 4 stars; one submission).

Allele frequency attached by ClinVar (database versions not stated): TOPMed 0.00001; 1000 Genomes Project 30x 0.00016; 1000 Genomes Project 0.00020.
gnomAD v4.1: 11 of 1,614,010 alleles (0.00068%); highest among the groups gnomAD compares: Admixed American, 0.013%; no homozygotes.

Submission:

Labcorp Genetics (formerly Invitae), Labcorp
Classification: Uncertain significance. Last evaluated: 2022-11-15. Review status: criteria provided, single submitter. Criteria: Invitae Variant Classification Sherloc (09022015). Collection method: clinical testing. Allele origin: germline.
Comment: In summary, the available evidence is currently insufficient to determine the role of this variant in disease. Therefore, it has been classified as a Variant of Uncertain Significance. Algorithms developed to predict the effect of missense changes on protein structure and function are either unavailable or do not agree on the potential impact of this missense change (SIFT: "Tolerated"; PolyPhen-2: "Probably Damaging"; Align-GVGD: "Class C0"). This variant has not been reported in the literature in individuals affected with GHR-related conditions. This variant is present in population databases (rs528933970, gnomAD 0.02%). This sequence change replaces threonine, which is neutral and polar, with alanine, which is neutral and non-polar, at codon 9 of the GHR protein (p.Thr9Ala).